The following is an entry in ClinVar:

NM_001040142.2(SCN2A):c.5311T>A (p.Tyr1771Asn)

Gene: SCN2A (sodium voltage-gated channel alpha subunit 2; plus strand). Cytogenetic location: 2q24.3.
Variant type: single nucleotide variant.
Coding change: c.5311T>A on transcript NM_001040142.2 (MANE Select); coding-DNA position 5311, T replaced by A.
Protein change: p.Tyr1771Asn; replaces tyrosine 1771 with asparagine.
Molecular consequence: missense variant.
Genome position (GRCh38, 1-based): chr2:165,389,117, T>A. VCF-style: chr2-165389117-T-A. GRCh37 (hg19) VCF-style: chr2-166245627-T-A.
Other names: p.Tyr1771Asn; c.5311T>A, p.Tyr1771Asn (NM_001040143.2, NM_001371246.1, NM_001371247.1 and 1 more transcripts); short protein forms Y1771N.
Identifiers: ClinVar variation 1806384 (VCV001806384.3), dbSNP rs2468158869, ClinGen allele CA349038685.
Genomic context (GRCh38, chr2:165,389,117, plus strand): 5'-GTTGGGATTTTCTTTTTTGTCAGTTACATCATCATATCCTTCCTGGTTGTGGTGAACATG[T>A]ACATCGCGGTCATCCTGGAGAACTTCAGTGTTGCTACTGAAGAAAGTGCAGAGCCTCTGA-3'
Protein context (NP_001035232.1, residues 1761-1781): IISFLVVVNM[Tyr1771Asn]IAVILENFSV

ClinVar aggregate classification (germline): Likely pathogenic (1 of 4 stars; one submission).

Conditions:
Developmental and epileptic encephalopathy, 11 (DEE11). Also called: Early infantile epileptic encephalopathy 11. Identifiers: Orphanet 1934, MedGen C3150987, MONDO:0013388, OMIM 613721.

Submission:

Foundation for Research in Genetics and Endocrinology, FRIGE's Institute of Human Genetics
Classification: Likely pathogenic for Developmental and epileptic encephalopathy, 11. Last evaluated: 2021-05-17. Review status: criteria provided, single submitter. Criteria: ACMG Guidelines, 2015. Collection method: research. Allele origin: de novo. Inheritance: Autosomal dominant inheritance. Affected: yes. Observed: 1 heterozygote.
Comment: A heterozygous missense variation in exon 28 of the SCN2A gene that results in the amino acid substitution of Asparagine for Tyrosine at codon 1909 was detected. The observed variant c.5311T>A (p.Tyr1771Asn) has not been reported in the 1000 genomes and gnomAD databases. The in silico prediction of the variant are damaging by DANN, FATHMM, SIFT, LRT and MutationTaster2 and highly intolerant by MetaDome. The reference codon is conserved across species. Segregation analysis showed this variant to be de novo in origin. In summary, the variant meets our criteria to be classified as a likely pathogenic variant.